The following is an entry in ClinVar:

NM_000539.3(RHO):c.630C>T (p.Val210=)

Gene: RHO (rhodopsin; plus strand). Cytogenetic location: 3q22.1.
Variant type: single nucleotide variant.
Coding change: c.630C>T on transcript NM_000539.3 (MANE Select); coding-DNA position 630, C replaced by T.
Protein change: p.Val210=; no amino-acid change (valine 210 retained).
Molecular consequence: synonymous variant.
Genome position (GRCh38, 1-based): chr3:129,532,350, C>T. VCF-style: chr3-129532350-C-T. GRCh37 (hg19) VCF-style: chr3-129251193-C-T.
Identifiers: ClinVar variation 899388 (VCV000899388.14), dbSNP rs371192803, ClinGen allele CA2607227.

ClinVar aggregate classification (germline): Conflicting classifications of pathogenicity. Review status: criteria provided, conflicting classifications (1 of 4 stars). 5 submissions from 4 submitters: Uncertain significance (2); Likely benign (3). Last evaluated 2026-02-26.

Conditions:
Retinitis pigmentosa (RP). Identifiers: Orphanet 791, MedGen C0035334, MeSH D012174, MONDO:0019200, OMIM 268000. Inheritance: Autosomal dominant, autosomal recessive and X linked inheritance.
Congenital stationary night blindness autosomal dominant 1. Also called: NIGHT BLINDNESS, CONGENITAL STATIONARY, RHODOPSIN-RELATED. Identifiers: Orphanet 215, MedGen C1864869, MONDO:0012498, OMIM 610445.
RHO-related disorder. Also called: RHO-related condition.

Allele frequency attached by ClinVar (database versions not stated): TOPMed 0.00003; ESP Exome Variant Server 0.00008; gnomAD exomes 0.00008; ExAC 0.00011; gnomAD 0.00019 and 0.00020.
gnomAD v4.1: 114 of 1,613,970 alleles (0.0071%); highest among the groups gnomAD compares: Non-Finnish European, 0.0078%; no homozygotes.

Submissions (5):

PreventionGenetics, part of Exact Sciences
Classification: Likely benign for RHO-related condition. Last evaluated: 2026-02-26. Review status: criteria provided, single submitter. Criteria: ACMG Guidelines, 2015. Collection method: clinical testing. Allele origin: germline.
Comment: This variant is classified as likely benign based on ACMG/AMP sequence variant interpretation guidelines (Richards et al. 2015 PMID: 25741868, with internal and published modifications).

Labcorp Genetics (formerly Invitae), Labcorp
Classification: Likely benign. Last evaluated: 2025-12-31. Review status: criteria provided, single submitter. Criteria: Invitae Variant Classification Sherloc (09022015). Collection method: clinical testing. Allele origin: germline.

Blueprint Genetics
Classification: Likely benign. Last evaluated: 2022-11-28. Review status: criteria provided, single submitter. Criteria: ACMG Guidelines, 2015. Collection method: clinical testing. Allele origin: germline.

Illumina Laboratory Services, Illumina
Classification: Uncertain significance for Congenital stationary night blindness autosomal dominant 1. Last evaluated: 2017-04-27. Review status: criteria provided, single submitter. Criteria: ICSL Variant Classification Criteria 13 December 2019. Collection method: clinical testing. Allele origin: germline.

Illumina Laboratory Services, Illumina
Classification: Uncertain significance for Retinitis pigmentosa. Last evaluated: 2017-04-27. Review status: criteria provided, single submitter. Criteria: ICSL Variant Classification Criteria 13 December 2019. Collection method: clinical testing. Allele origin: germline.